The following is an entry in ClinVar:

NM_198578.4(LRRK2):c.6589A>G (p.Ser2197Gly)

Gene: LRRK2 (leucine rich repeat kinase 2; plus strand). Cytogenetic location: 12q12.
Variant type: single nucleotide variant.
Coding change: c.6589A>G on transcript NM_198578.4 (MANE Select); coding-DNA position 6589, A replaced by G.
Protein change: p.Ser2197Gly; replaces serine 2197 with glycine.
Molecular consequence: missense variant.
Genome position (GRCh38, 1-based): chr12:40,354,311, A>G. VCF-style: chr12-40354311-A-G. GRCh37 (hg19) VCF-style: chr12-40748113-A-G.
Other names: short protein forms S2197G.
Identifiers: ClinVar variation 1011348 (VCV001011348.8), dbSNP rs1946461955, ClinGen allele CA384408768.
Genomic context (GRCh38, chr12:40,354,311, plus strand): 5'-CTTAAGCTTAAATCAAATCCTGCTAAGTATATTTTCTTTTCTTAACAGGAAGTTGCTGAT[A>G]GTAGAATATTGTGCTTAGCCTTGGTGCATCTTCCTGTTGAAAAGGAAAGCTGGATTGTGT-3'
Protein context (NP_940980.4, residues 2187-2207): EGYTSEEVAD[Ser2197Gly]RILCLALVHL

ClinVar aggregate classification (germline): Uncertain significance (1 of 4 stars; one submission).

Conditions:
Autosomal dominant Parkinson disease 8. Also called: LRRK2-Related Parkinson Disease; Parkinson disease 8; Parkinson disease 8, susceptibility to. Identifiers: Orphanet 411602, MedGen C1846862, MONDO:0011764, OMIM 607060.

Allele frequency attached by ClinVar (database versions not stated): gnomAD exomes 0.00001.
gnomAD v4.1: 18 of 1,614,012 alleles (0.0011%); highest among the groups gnomAD compares: East Asian, 0.0022%; no homozygotes.

Submission:

Labcorp Genetics (formerly Invitae), Labcorp
Classification: Uncertain significance for Autosomal dominant Parkinson disease 8. Last evaluated: 2020-10-26. Review status: criteria provided, single submitter. Criteria: Invitae Variant Classification Sherloc (09022015). Collection method: clinical testing. Allele origin: germline.
Comment: This variant has not been reported in the literature in individuals with LRRK2-related conditions. This variant is not present in population databases (ExAC no frequency). This sequence change replaces serine with glycine at codon 2197 of the LRRK2 protein (p.Ser2197Gly). The serine residue is moderately conserved and there is a small physicochemical difference between serine and glycine. Algorithms developed to predict the effect of missense changes on protein structure and function output the following: SIFT: "Deleterious"; PolyPhen-2: "Benign"; Align-GVGD: "Class C0". The glycine amino acid residue is found in multiple mammalian species, suggesting that this missense change does not adversely affect protein function. These predictions have not been confirmed by published functional studies and their clinical significance is uncertain. In summary, the available evidence is currently insufficient to determine the role of this variant in disease. Therefore, it has been classified as a Variant of Uncertain Significance.